The following is an entry in ClinVar:

ClinVar aggregate classification (germline): Uncertain significance. Review status: criteria provided, multiple submitters, no conflicts (2 of 4 stars). 2 submissions from 2 submitters: Uncertain significance (2). Last evaluated 2024-11-13.

Allele frequency attached by ClinVar (database versions not stated): ExAC 0.00001.
gnomAD v4.1: 30 of 1,610,804 alleles (0.0019%); highest among the groups gnomAD compares: East Asian, 0.0089%; no homozygotes.

Submissions (2):

Ambry Genetics
Classification: Uncertain significance. Last evaluated: 2024-11-13. Review status: criteria provided, single submitter. Criteria: Ambry Variant Classification Scheme 2023. Collection method: clinical testing. Allele origin: germline.

Labcorp Genetics (formerly Invitae), Labcorp
Classification: Uncertain significance. Last evaluated: 2022-10-17. Review status: criteria provided, single submitter. Criteria: Invitae Variant Classification Sherloc (09022015). Collection method: clinical testing. Allele origin: germline.
Comment: This sequence change replaces aspartic acid, which is acidic and polar, with asparagine, which is neutral and polar, at codon 425 of the FGFRL1 protein (p.Asp425Asn). The frequency data for this variant in the population databases is considered unreliable, as metrics indicate poor data quality at this position in the gnomAD database. This variant has not been reported in the literature in individuals affected with FGFRL1-related conditions. Algorithms developed to predict the effect of missense changes on protein structure and function are either unavailable or do not agree on the potential impact of this missense change (SIFT: "Deleterious"; PolyPhen-2: "Benign"; Align-GVGD: "Class C0"). In summary, the available evidence is currently insufficient to determine the role of this variant in disease. Therefore, it has been classified as a Variant of Uncertain Significance.

NM_001004356.3(FGFRL1):c.1273G>A (p.Asp425Asn)

Gene: FGFRL1 (fibroblast growth factor receptor like 1; plus strand). Cytogenetic location: 4p16.3.
Variant type: single nucleotide variant.
Coding change: c.1273G>A on transcript NM_001004356.3 (MANE Select); coding-DNA position 1273, G replaced by A.
Protein change: p.Asp425Asn; replaces aspartic acid 425 with asparagine.
Molecular consequence: missense variant.
Genome position (GRCh38, 1-based): chr4:1,025,105, G>A. VCF-style: chr4-1025105-G-A. GRCh37 (hg19) VCF-style: chr4-1018893-G-A.
Other names: c.1273G>A, p.Asp425Asn (NM_001004358.1, NM_001370296.1, NM_021923.3); c.1273G>A (NM_001004356.2); short protein forms D425N.
Identifiers: ClinVar variation 2191570 (VCV002191570.5), dbSNP rs750561767, ClinGen allele CA2803059.
Genomic context (GRCh38, chr4:1,025,105, plus strand): 5'-CCGTGCACCCCCGCGCCTGCCCCTCCCCTGCCTGGGCACCGCCCGCCGGGGACGGCCCGC[G>A]ACCGCAGCGGAGACAAGGACCTTCCCTCGTTGGCCGCCCTCAGCGCTGGCCCTGGTGTGG-3'
Protein context (NP_001004356.1, residues 415-435): PGHRPPGTAR[Asp425Asn]RSGDKDLPSL